The following is an entry in ClinVar:

ClinVar aggregate classification (germline): Uncertain significance (1 of 4 stars; one submission).

Allele frequency attached by ClinVar (database versions not stated): gnomAD 0.00001; gnomAD exomes 0.00001; TOPMed 0.00002; ExAC 0.00004.
gnomAD v4.1: 14 of 1,607,192 alleles (0.00087%); highest among the groups gnomAD compares: Non-Finnish European, 0.0012%; no homozygotes.

Submission:

Labcorp Genetics (formerly Invitae), Labcorp
Classification: Uncertain significance. Last evaluated: 2024-01-21. Review status: criteria provided, single submitter. Criteria: Invitae Variant Classification Sherloc (09022015). Collection method: clinical testing. Allele origin: germline.
Comment: This sequence change replaces arginine, which is basic and polar, with tryptophan, which is neutral and slightly polar, at codon 615 of the TAOK2 protein (p.Arg615Trp). The frequency data for this variant in the population databases is considered unreliable, as metrics indicate poor data quality at this position in the gnomAD database. This variant has not been reported in the literature in individuals affected with TAOK2-related conditions. An algorithm developed to predict the effect of missense changes on protein structure and function (PolyPhen-2) suggests that this variant is likely to be disruptive. In summary, the available evidence is currently insufficient to determine the role of this variant in disease. Therefore, it has been classified as a Variant of Uncertain Significance.

NM_016151.4(TAOK2):c.1843C>T (p.Arg615Trp)

Gene: TAOK2 (TAO kinase 2; plus strand). Cytogenetic location: 16p11.2.
Variant type: single nucleotide variant.
Coding change: c.1843C>T on transcript NM_016151.4 (MANE Select); coding-DNA position 1843, C replaced by T.
Protein change: p.Arg615Trp; replaces arginine 615 with tryptophan.
Molecular consequence: missense variant.
Genome position (GRCh38, 1-based): chr16:29,985,712, C>T. VCF-style: chr16-29985712-C-T. GRCh37 (hg19) VCF-style: chr16-29997033-C-T.
Other names: c.1843C>T, p.Arg615Trp (NM_001252043.2, NM_004783.4); short protein forms R615W.
Identifiers: ClinVar variation 3019346 (VCV003019346.3), dbSNP rs767589606, ClinGen allele CA7998234.